The following is an entry in ClinVar:

NM_000102.4(CYP17A1):c.1352A>C (p.Glu451Ala)

Gene: CYP17A1 (cytochrome P450 family 17 subfamily A member 1; minus strand). Cytogenetic location: 10q24.32.
Variant type: single nucleotide variant.
Coding change: c.1352A>C on transcript NM_000102.4 (MANE Select); coding-DNA position 1352, A replaced by C.
Protein change: p.Glu451Ala; replaces glutamic acid 451 with alanine.
Molecular consequence: missense variant.
Genome position (GRCh38, 1-based): chr10:102,830,877, T>G on the plus strand (A>C on the coding strand, the complement: CYP17A1 is on the minus strand). VCF-style: chr10-102830877-T-G. GRCh37 (hg19) VCF-style: chr10-104590634-T-G.
Other names: short protein forms E451A.
Identifiers: ClinVar variation 2820635 (VCV002820635.3), dbSNP rs764758497, ClinGen allele CA5669337.

ClinVar aggregate classification (germline): Uncertain significance (1 of 4 stars; one submission).

Allele frequency attached by ClinVar (database versions not stated): gnomAD exomes 0.00001; ExAC 0.00004.
gnomAD v4.1: 3 of 1,587,776 alleles (0.00019%); highest among the groups gnomAD compares: South Asian, 0.0034%; no homozygotes.

Submission:

Labcorp Genetics (formerly Invitae), Labcorp
Classification: Uncertain significance. Last evaluated: 2023-02-23. Review status: criteria provided, single submitter. Criteria: Invitae Variant Classification Sherloc (09022015). Collection method: clinical testing. Allele origin: germline.
Comment: In summary, the available evidence is currently insufficient to determine the role of this variant in disease. Therefore, it has been classified as a Variant of Uncertain Significance. Algorithms developed to predict the effect of missense changes on protein structure and function output the following: SIFT: "Not Available"; PolyPhen-2: "Benign"; Align-GVGD: "Not Available". The alanine amino acid residue is found in multiple mammalian species, which suggests that this missense change does not adversely affect protein function. This missense change has been observed in individual(s) with clinical features of congenital adrenal hyperplasia (Invitae). This variant is present in population databases (rs764758497, gnomAD 0.007%). This sequence change replaces glutamic acid, which is acidic and polar, with alanine, which is neutral and non-polar, at codon 451 of the CYP17A1 protein (p.Glu451Ala).